The following is an entry in ClinVar:

ClinVar aggregate classification (germline): Likely benign. Review status: criteria provided, multiple submitters, no conflicts (2 of 4 stars). 3 submissions from 3 submitters: Likely benign (3). Last evaluated 2025-05-21.

Conditions:
PRPF8-related disorder. Also called: PRPF8-related condition.

Allele frequency attached by ClinVar (database versions not stated): gnomAD 0.00001; TOPMed 0.00002; gnomAD exomes 0.00005 and 0.00006; ExAC 0.00008.
gnomAD v4.1: 84 of 1,614,004 alleles (0.0052%); highest among the groups gnomAD compares: East Asian, 0.016%; no homozygotes.

Submissions (3):

PreventionGenetics, part of Exact Sciences
Classification: Likely benign for PRPF8-related condition. Last evaluated: 2025-05-21. Review status: criteria provided, single submitter. Criteria: ACMG Guidelines, 2015. Collection method: clinical testing. Allele origin: germline.
Comment: This variant is classified as likely benign based on ACMG/AMP sequence variant interpretation guidelines (Richards et al. 2015 PMID: 25741868, with internal and published modifications).

Labcorp Genetics (formerly Invitae), Labcorp
Classification: Likely benign. Last evaluated: 2024-09-15. Review status: criteria provided, single submitter. Criteria: Invitae Variant Classification Sherloc (09022015). Collection method: clinical testing. Allele origin: germline.

Blueprint Genetics
Classification: Likely benign. Last evaluated: 2022-11-02. Review status: criteria provided, single submitter. Criteria: ACMG Guidelines, 2015. Collection method: clinical testing. Allele origin: germline.

NM_006445.4(PRPF8):c.6984G>A (p.Ala2328=)

Gene: PRPF8 (pre-mRNA processing factor 8; minus strand). Cytogenetic location: 17p13.3.
Variant type: single nucleotide variant.
Coding change: c.6984G>A on transcript NM_006445.4 (MANE Select); coding-DNA position 6984, G replaced by A.
Protein change: p.Ala2328=; no amino-acid change (alanine 2328 retained).
Molecular consequence: synonymous variant.
Genome position (GRCh38, 1-based): chr17:1,650,826, C>T on the plus strand (G>A on the coding strand, the complement: PRPF8 is on the minus strand). VCF-style: chr17-1650826-C-T. GRCh37 (hg19) VCF-style: chr17-1554120-C-T.
Identifiers: ClinVar variation 740725 (VCV000740725.12), dbSNP rs768551565, ClinGen allele CA8271035.